The following is an entry in ClinVar:

ClinVar aggregate classification (germline): Uncertain significance (1 of 4 stars; one submission).

Conditions:
Noonan syndrome 8 (NS8). Identifiers: Orphanet 648, MedGen C3809233, MONDO:0014143, OMIM 615355.

Submission:

Labcorp Genetics (formerly Invitae), Labcorp
Classification: Uncertain significance for Noonan syndrome 8. Last evaluated: 2024-11-03. Review status: criteria provided, single submitter. Criteria: Invitae Variant Classification Sherloc (09022015). Collection method: clinical testing. Allele origin: germline.
Comment: This sequence change replaces aspartic acid, which is acidic and polar, with valine, which is neutral and non-polar, at codon 49 of the RIT1 protein (p.Asp49Val). This variant is not present in population databases (gnomAD no frequency). This variant has not been reported in the literature in individuals affected with RIT1-related conditions. ClinVar contains an entry for this variant (Variation ID: 1959775). Invitae Evidence Modeling of protein sequence and biophysical properties (such as structural, functional, and spatial information, amino acid conservation, physicochemical variation, residue mobility, and thermodynamic stability) indicates that this missense variant is not expected to disrupt RIT1 protein function with a negative predictive value of 95%. In summary, the available evidence is currently insufficient to determine the role of this variant in disease. Therefore, it has been classified as a Variant of Uncertain Significance.

NM_006912.6(RIT1):c.146A>T (p.Asp49Val)

Gene: RIT1 (Ras like without CAAX 1; minus strand). Cytogenetic location: 1q22.
Variant type: single nucleotide variant.
Coding change: c.146A>T on transcript NM_006912.6 (MANE Select); coding-DNA position 146, A replaced by T.
Protein change: p.Asp49Val; replaces aspartic acid 49 with valine.
Molecular consequence: missense variant.
Genome position (GRCh38, 1-based): chr1:155,910,467, T>A on the plus strand (A>T on the coding strand, the complement: RIT1 is on the minus strand). VCF-style: chr1-155910467-T-A. GRCh37 (hg19) VCF-style: chr1-155880258-T-A.
Other names: c.38A>T, p.Asp13Val (NM_001256820.2); c.197A>T, p.Asp66Val (NM_001256821.2); short protein forms D49V, D13V, D66V.
Identifiers: ClinVar variation 1959775 (VCV001959775.5), dbSNP rs2527197273, ClinGen allele CA342775981.
Genomic context (GRCh38, chr1:155,910,467, plus strand): 5'-TTTATGGGGTATATTTGGAAACATAAGTGATGATCTGGCTTACCAATGGTGGGATCATGA[T>A]CTTCTGGGAATCGGTGGCTGATGAACTGCATGGTCATGGCTTCAAAAGAAGAAATAAAAG-3'
Protein context (NP_008843.1, residues 39-59): MQFISHRFPE[Asp49Val]HDPTIEDAYK